The following is an entry in ClinVar:

ClinVar aggregate classification (germline): Uncertain significance (1 of 4 stars; one submission).

Conditions:
Medium-chain acyl-coenzyme A dehydrogenase deficiency (ACADMD). Also called: MCAD Deficiency; ACADM DEFICIENCY; MCADH DEFICIENCY; MCADD; CARNITINE DEFICIENCY SECONDARY TO MEDIUM-CHAIN ACYL-CoA DEHYDROGENASE DEFICIENCY; Medium chain acyl-CoA dehydrogenase deficiency. Identifiers: Orphanet 42, MedGen C0220710, MONDO:0008721, OMIM 201450.

Allele frequency attached by ClinVar (database versions not stated): gnomAD exomes below 0.00001; ExAC 0.00001; gnomAD 0.00001.
gnomAD v4.1: 5 of 1,613,814 alleles (0.00031%); highest among the groups gnomAD compares: Non-Finnish European, 0.00042%; no homozygotes.

Submission:

Labcorp Genetics (formerly Invitae), Labcorp
Classification: Uncertain significance for Medium-chain acyl-coenzyme A dehydrogenase deficiency. Last evaluated: 2023-11-19. Review status: criteria provided, single submitter. Criteria: Invitae Variant Classification Sherloc (09022015). Collection method: clinical testing. Allele origin: germline.
Comment: This sequence change replaces isoleucine, which is neutral and non-polar, with valine, which is neutral and non-polar, at codon 223 of the ACADM protein (p.Ile223Val). This variant is present in population databases (rs747783631, gnomAD 0.0009%). This variant has not been reported in the literature in individuals affected with ACADM-related conditions. ClinVar contains an entry for this variant (Variation ID: 1500830). Advanced modeling of protein sequence and biophysical properties (such as structural, functional, and spatial information, amino acid conservation, physicochemical variation, residue mobility, and thermodynamic stability) performed at Invitae indicates that this missense variant is not expected to disrupt ACADM protein function with a negative predictive value of 80%. This variant disrupts the p.Ile223 amino acid residue in ACADM. Other variant(s) that disrupt this residue have been determined to be pathogenic (PMID: 33841490). This suggests that this residue is clinically significant, and that variants that disrupt this residue are likely to be disease-causing. In summary, the available evidence is currently insufficient to determine the role of this variant in disease. Therefore, it has been classified as a Variant of Uncertain Significance.

Literature cited by the submitters: PubMed 33841490.

NM_000016.6(ACADM):c.667A>G (p.Ile223Val)

Gene: ACADM (acyl-CoA dehydrogenase medium chain; plus strand). Cytogenetic location: 1p31.1.
Variant type: single nucleotide variant.
Coding change: c.667A>G on transcript NM_000016.6 (MANE Select); coding-DNA position 667, A replaced by G.
Protein change: p.Ile223Val; replaces isoleucine 223 with valine.
Molecular consequence: missense variant.
Genome position (GRCh38, 1-based): chr1:75,745,873, A>G. VCF-style: chr1-75745873-A-G. GRCh37 (hg19) VCF-style: chr1-76211558-A-G.
Other names: c.679A>G, p.Ile227Val (NM_001127328.3); c.559A>G, p.Ile187Val (NM_001286042.2); c.766A>G, p.Ile256Val (NM_001286043.2); c.100A>G, p.Ile34Val (NM_001286044.2); short protein forms I187V, I227V, I34V, I223V, I256V.
Identifiers: ClinVar variation 1500830 (VCV001500830.6), dbSNP rs747783631, ClinGen allele CA913171.